The following is an entry in ClinVar:

ClinVar aggregate classification (germline): Likely benign (1 of 4 stars; one submission).

Conditions:
Familial thoracic aortic aneurysm and aortic dissection (TAAD). Also called: Thoracic aortic aneurysms and dissections. Identifiers: Orphanet 91387, MedGen C4707243, MONDO:0019625.

Submission:

All of Us Research Program, National Institutes of Health
Classification: Likely benign for Familial thoracic aortic aneurysm and aortic dissection. Last evaluated: 2024-05-14. Review status: criteria provided, single submitter. Criteria: ACMG Guidelines, 2015. Collection method: clinical testing. Allele origin: germline. Inheritance: Autosomal dominant inheritance. Observed: 1 variant allele, 1 heterozygote.
Comment: This study involves interpretation of variants in research participants for the purpose of population health screening. Participant phenotype was not available at the time of variant classification. Additional details can be found in publication PMID: 35346344, PMCID: PMC8962531

NM_001613.4(ACTA2):c.617-6del

Genes: ACTA2 (actin alpha 2, smooth muscle; minus strand), ACTA2-AS1 (ACTA2 antisense RNA 1; plus strand). Cytogenetic location: 10q23.31.
Variant type: Deletion.
Coding change: c.617-6del on transcript NM_001613.4 (MANE Select); 6 bases into the intron before coding-DNA position 617, one base deleted (T; older notation c.617-6delT).
Molecular consequence: intron variant. On other transcripts: non-coding transcript variant (1).
Genome position (GRCh38, 1-based): chr10:88,939,704, A deleted on the plus strand (T on the coding strand, the reverse complement: ACTA2 is on the minus strand); the first of 2 consecutive A bases (chr10:88,939,704-88,939,705); deleting either gives the same sequence. VCF-style (leftmost placement, unchanged base first): chr10-88939703-CA-C. GRCh37 (hg19) VCF-style: chr10-90699460-CA-C.
Other names: c.488-6del (NM_001406467.1, NM_001406468.1, NM_001406469.1); c.617-6del (NM_001320855.2, NM_001406462.1, NM_001141945.3 and 2 more transcripts); c.617-1462del (NM_001406471.1); c.506-6del (NM_001406466.1).
Identifiers: ClinVar variation 3386227 (VCV003386227.1).